The following is an entry in ClinVar:

ClinVar aggregate classification (germline): Uncertain significance (1 of 4 stars; one submission).

gnomAD v4.1: 1 of 1,612,304 alleles (0.000062%); highest among the groups gnomAD compares: Non-Finnish European, 0.000085%; no homozygotes.

Submission:

Labcorp Genetics (formerly Invitae), Labcorp
Classification: Uncertain significance. Last evaluated: 2022-08-23. Review status: criteria provided, single submitter. Criteria: Invitae Variant Classification Sherloc (09022015). Collection method: clinical testing. Allele origin: germline.
Comment: Algorithms developed to predict the effect of missense changes on protein structure and function are either unavailable or do not agree on the potential impact of this missense change (SIFT: "Deleterious"; PolyPhen-2: "Benign"; Align-GVGD: "Class C0"). In summary, the available evidence is currently insufficient to determine the role of this variant in disease. Therefore, it has been classified as a Variant of Uncertain Significance. ClinVar contains an entry for this variant (Variation ID: 1364483). This variant has not been reported in the literature in individuals affected with TBCK-related conditions. This variant is not present in population databases (gnomAD no frequency). This sequence change replaces phenylalanine, which is neutral and non-polar, with leucine, which is neutral and non-polar, at codon 805 of the TBCK protein (p.Phe805Leu).

NM_001163435.3(TBCK):c.2413T>C (p.Phe805Leu)

Gene: TBCK (TBC1 domain containing kinase; minus strand). Cytogenetic location: 4q24.
Variant type: single nucleotide variant.
Coding change: c.2413T>C on transcript NM_001163435.3 (MANE Select); coding-DNA position 2413, T replaced by C.
Protein change: p.Phe805Leu; replaces phenylalanine 805 with leucine.
Molecular consequence: missense variant.
Genome position (GRCh38, 1-based): chr4:106,095,640, A>G on the plus strand (T>C on the coding strand, the complement: TBCK is on the minus strand). VCF-style: chr4-106095640-A-G. GRCh37 (hg19) VCF-style: chr4-107016797-A-G.
Other names: c.2413T>C, p.Phe805Leu (NM_001163436.4); c.2296T>C, p.Phe766Leu (NM_001163437.3); c.1897T>C, p.Phe633Leu (NM_001290768.2); c.2224T>C, p.Phe742Leu (NM_033115.5); short protein forms F633L, F742L, F766L, F805L.
Identifiers: ClinVar variation 1364483 (VCV001364483.8), dbSNP rs2149518966, ClinGen allele CA357970887.
Genomic context (GRCh38, chr4:106,095,640, plus strand): 5'-CTGCAGTGAAGGCAGCACTGAATGGAATGTTGATGCTTCCTGAAATGTGACCACGAATAA[A>G]GCTGAGAAGGAAAGTTTAAGGAAAACATTTATTTGTGTGCAATCCTGAGTGTCTGAGGGA-3'
Protein context (NP_001156907.2, residues 795-815): LVVDIRNSED[Phe805Leu]IRGHISGSIN